The following is an entry in ClinVar:

NM_006059.4(LAMC3):c.4661G>A (p.Arg1554His)

Gene: LAMC3 (laminin subunit gamma 3; plus strand). Cytogenetic location: 9q34.12.
Variant type: single nucleotide variant.
Coding change: c.4661G>A on transcript NM_006059.4 (MANE Select); coding-DNA position 4661, G replaced by A.
Protein change: p.Arg1554His; replaces arginine 1554 with histidine.
Molecular consequence: missense variant.
Genome position (GRCh38, 1-based): chr9:131,091,720, G>A. VCF-style: chr9-131091720-G-A. GRCh37 (hg19) VCF-style: chr9-133967107-G-A.
Other names: short protein forms R1554H.
Identifiers: ClinVar variation 975431 (VCV000975431.5), dbSNP rs547090197, ClinGen allele CA5288246.

ClinVar aggregate classification (germline): Uncertain significance. Review status: criteria provided, multiple submitters, no conflicts (2 of 4 stars). 3 submissions from 3 submitters: Uncertain significance (2). 1 of the submissions does not count toward it. Last evaluated 2024-10-06.

Conditions:
Inborn genetic diseases. Identifiers: MedGen C0950123, MeSH D030342.
Intellectual disability. Also called: intellectual disabilities; Intellectual developmental disorder; Intellectual functioning disability. Identifiers: MedGen C3714756, MeSH D008607, MONDO:0001071, HP:0001249.

Allele frequency attached by ClinVar (database versions not stated): gnomAD 0.00005 and 0.00006; gnomAD exomes 0.00001 and below 0.00001; ExAC 0.00001; 1000 Genomes Project 0.00020; TOPMed 0.00003; 1000 Genomes Project 30x 0.00016.
gnomAD v4.1: 18 of 1,612,920 alleles (0.0011%); highest among the groups gnomAD compares: African/African-American, 0.008%; no homozygotes.

Submissions (3):

Ambry Genetics
Classification: Uncertain significance for Inborn genetic diseases. Last evaluated: 2024-10-06. Review status: criteria provided, single submitter. Criteria: Ambry Variant Classification Scheme 2023. Collection method: clinical testing. Allele origin: germline.

Labcorp Genetics (formerly Invitae), Labcorp
Classification: Uncertain significance. Last evaluated: 2022-08-09. Review status: criteria provided, single submitter. Criteria: Invitae Variant Classification Sherloc (09022015). Collection method: clinical testing. Allele origin: germline.
Comment: This sequence change replaces arginine, which is basic and polar, with histidine, which is basic and polar, at codon 1554 of the LAMC3 protein (p.Arg1554His). The frequency data for this variant in the population databases is considered unreliable, as metrics indicate poor data quality at this position in the gnomAD database. This variant has not been reported in the literature in individuals affected with LAMC3-related conditions. ClinVar contains an entry for this variant (Variation ID: 975431). Algorithms developed to predict the effect of missense changes on protein structure and function output the following: SIFT: "Deleterious"; PolyPhen-2: "Benign"; Align-GVGD: "Class C0". The histidine amino acid residue is found in multiple mammalian species, which suggests that this missense change does not adversely affect protein function. In summary, the available evidence is currently insufficient to determine the role of this variant in disease. Therefore, it has been classified as a Variant of Uncertain Significance.

Centre de Biologie Pathologie Génétique, Centre Hospitalier Universitaire de Lille
Classification: Likely benign for Intellectual disability. Last evaluated: 2019-01-01. Review status: no assertion criteria provided. Collection method: clinical testing. Allele origin: inherited. Affected: yes. Not counted in ClinVar's aggregate classification.